The following is an entry in ClinVar:

ClinVar aggregate classification (germline): Uncertain significance. Review status: criteria provided, multiple submitters, no conflicts (2 of 4 stars). 2 submissions from 2 submitters: Uncertain significance (2). Last evaluated 2021-09-01.

Conditions:
Spastic paraplegia. Identifiers: MedGen C0037772, HP:0001258.
Hereditary spastic paraplegia. Also called: Familial spastic paraparesis. Identifiers: Orphanet 685, MedGen C0037773, MONDO:0019064. Disease mechanism: loss of function.

Allele frequency attached by ClinVar (database versions not stated): gnomAD exomes below 0.00001.
gnomAD v4.1: 2 of 1,613,990 alleles (0.00012%); highest among the groups gnomAD compares: Middle Eastern, 0.016%; no homozygotes.

Submissions (2):

Labcorp Genetics (formerly Invitae), Labcorp
Classification: Uncertain significance for Spastic paraplegia. Last evaluated: 2021-09-01. Review status: criteria provided, single submitter. Criteria: Invitae Variant Classification Sherloc (09022015). Collection method: clinical testing. Allele origin: germline.
Comment: This sequence change replaces serine with alanine at codon 4389 of the SACS protein (p.Ser4389Ala). The serine residue is moderately conserved and there is a moderate physicochemical difference between serine and alanine. This variant is not present in population databases (ExAC no frequency). This variant has not been reported in the literature in individuals affected with SACS-related conditions. Algorithms developed to predict the effect of missense changes on protein structure and function are either unavailable or do not agree on the potential impact of this missense change (SIFT: "Deleterious"; PolyPhen-2: "Benign"; Align-GVGD: "Class C0"). In summary, the available evidence is currently insufficient to determine the role of this variant in disease. Therefore, it has been classified as a Variant of Uncertain Significance.

Genome Diagnostics Laboratory, The Hospital for Sick Children
Classification: Uncertain significance for Hereditary spastic paraplegia. Last evaluated: 2019-03-01. Review status: criteria provided, single submitter. Criteria: ACMG Guidelines, 2015. Collection method: clinical testing. Allele origin: germline. Affected: yes.

NM_014363.6(SACS):c.13165T>G (p.Ser4389Ala)

Gene: SACS (sacsin molecular chaperone; minus strand). Cytogenetic location: 13q12.12.
Variant type: single nucleotide variant.
Coding change: c.13165T>G on transcript NM_014363.6 (MANE Select); coding-DNA position 13165, T replaced by G.
Protein change: p.Ser4389Ala; replaces serine 4389 with alanine.
Molecular consequence: missense variant.
Genome position (GRCh38, 1-based): chr13:23,330,711, A>C on the plus strand (T>G on the coding strand, the complement: SACS is on the minus strand). VCF-style: chr13-23330711-A-C. GRCh37 (hg19) VCF-style: chr13-23904850-A-C.
Other names: c.12724T>G, p.Ser4242Ala (NM_001278055.2); short protein forms S4242A, S4389A.
Identifiers: ClinVar variation 1343977 (VCV001343977.5), dbSNP rs2137551379, ClinGen allele CA387505861.